The following is an entry in ClinVar:

NM_004259.7(RECQL5):c.1649G>A (p.Arg550Gln)

Gene: RECQL5 (RecQ like helicase 5; minus strand). Cytogenetic location: 17q25.1.
Variant type: single nucleotide variant.
Coding change: c.1649G>A on transcript NM_004259.7 (MANE Select); coding-DNA position 1649, G replaced by A.
Protein change: p.Arg550Gln; replaces arginine 550 with glutamine.
Molecular consequence: missense variant.
Genome position (GRCh38, 1-based): chr17:75,630,688, C>T on the plus strand (G>A on the coding strand, the complement: RECQL5 is on the minus strand). VCF-style: chr17-75630688-C-T. GRCh37 (hg19) VCF-style: chr17-73626768-C-T.
Other names: short protein forms R550Q.
Identifiers: ClinVar variation 2631950 (VCV002631950.1), dbSNP rs779340422, ClinGen allele CA8767325.

ClinVar aggregate classification (germline): Uncertain significance (1 of 4 stars; one submission).

Conditions:
RECQL5-related disorder. Also called: RECQL5-related condition.

Allele frequency attached by ClinVar (database versions not stated): ExAC 0.00001.
gnomAD v4.1: 12 of 1,613,380 alleles (0.00074%); highest among the groups gnomAD compares: Middle Eastern, 0.016%; no homozygotes.

Submission:

PreventionGenetics, part of Exact Sciences
Classification: Uncertain significance for RECQL5-related condition. Last evaluated: 2022-11-21. Review status: criteria provided, single submitter. Criteria: ACMG Guidelines, 2015. Collection method: clinical testing. Allele origin: germline.
Comment: The RECQL5 c.1649G>A variant is predicted to result in the amino acid substitution p.Arg550Gln. To our knowledge, this variant has not been reported in the literature. An alternate substitution of the same amino acid (p.Arg550Trp) was reported in a study of families with breast and ovarian cancer, though it was reported not to segregate with disease in the identified family (Tavera-Tapia et al. 2019. PubMed ID: 30817846). This variant is reported in 0.0033% of alleles in individuals of South Asian descent in gnomAD. At this time, the clinical significance of this variant is uncertain due to the absence of conclusive functional and genetic evidence.